The following is an entry in ClinVar:

NM_005911.6(MAT2A):c.440A>G (p.Glu147Gly)

Genes: MAT2A (methionine adenosyltransferase 2A; plus strand), GGCX (gamma-glutamyl carboxylase; minus strand). Cytogenetic location: 2p11.2.
Variant type: single nucleotide variant.
Coding change: c.440A>G on transcript NM_005911.6 (MANE Select); coding-DNA position 440, A replaced by G.
Protein change: p.Glu147Gly; replaces glutamic acid 147 with glycine.
Molecular consequence: missense variant.
Genome position (GRCh38, 1-based): chr2:85,541,863, A>G. VCF-style: chr2-85541863-A-G. GRCh37 (hg19) VCF-style: chr2-85768986-A-G.
Other names: short protein forms E147G.
Identifiers: ClinVar variation 1740373 (VCV001740373.2), dbSNP rs2529630927, ClinGen allele CA347476665.

ClinVar aggregate classification (germline): Uncertain significance (1 of 4 stars; one submission).

Conditions:
Cardiovascular phenotype. Identifiers: MedGen CN230736.

Submission:

Ambry Genetics
Classification: Uncertain significance for Cardiovascular phenotype. Last evaluated: 2022-06-14. Review status: criteria provided, single submitter. Criteria: Ambry Variant Classification Scheme 2023. Collection method: clinical testing. Allele origin: germline.
Comment: The p.E147G variant (also known as c.440A>G), located in coding exon 5 of the MAT2A gene, results from an A to G substitution at nucleotide position 440. The glutamic acid at codon 147 is replaced by glycine, an amino acid with similar properties. This amino acid position is conserved. In addition, this alteration is predicted to be deleterious by in silico analysis. Since supporting evidence is limited at this time, the clinical significance of this alteration remains unclear.